The following is an entry in ClinVar:

ClinVar aggregate classification (germline): Uncertain significance (1 of 4 stars; one submission).

gnomAD v4.1: 4 of 1,614,210 alleles (0.00025%); highest among the groups gnomAD compares: Non-Finnish European, 0.00034%; no homozygotes.

Submission:

GeneDx
Classification: Uncertain significance. Last evaluated: 2024-12-02. Review status: criteria provided, single submitter. Criteria: GeneDx Variant Classification Process June 2021. Collection method: clinical testing. Allele origin: germline. Affected: yes.
Comment: Not observed at significant frequency in large population cohorts (gnomAD); In silico analysis indicates that this missense variant does not alter protein structure/function; Has not been previously published as pathogenic or benign to our knowledge

NM_014974.3(DIP2C):c.988A>G (p.Ile330Val)

Gene: DIP2C (disco interacting protein 2 homolog C; minus strand). Cytogenetic location: 10p15.3.
Variant type: single nucleotide variant.
Coding change: c.988A>G on transcript NM_014974.3 (MANE Select); coding-DNA position 988, A replaced by G.
Protein change: p.Ile330Val; replaces isoleucine 330 with valine.
Molecular consequence: missense variant.
Genome position (GRCh38, 1-based): chr10:413,982, T>C on the plus strand (A>G on the coding strand, the complement: DIP2C is on the minus strand). VCF-style: chr10-413982-T-C. GRCh37 (hg19) VCF-style: chr10-459922-T-C.
Other names: short protein forms I330V.
Identifiers: ClinVar variation 3901680 (VCV003901680.1).
Genomic context (GRCh38, chr10:413,982, plus strand): 5'-GGATGTAGAGGGGCTTCCCGTTGGTGTCCATGGTGGTCAGGCAGGGCGCCTTGGGCGAGA[T>C]GGTGCCCCACCTCTGCAGTGCGGCCTCCAGCGACGGCGGCCAGTTCGTGACCACGCCCAG-3'
Protein context (NP_055789.1, residues 320-340): LEAALQRWGT[Ile330Val]SPKAPCLTTM